The following is an entry in ClinVar:

NM_004333.6(BRAF):c.1621C>A (p.Leu541Ile)

Gene: BRAF (B-Raf proto-oncogene, serine/threonine kinase; minus strand). Cytogenetic location: 7q34.
Variant type: single nucleotide variant.
Coding change: c.1621C>A on transcript NM_004333.6 (MANE Select); coding-DNA position 1621, C replaced by A.
Protein change: p.Leu541Ile; replaces leucine 541 with isoleucine.
Molecular consequence: missense variant.
Genome position (GRCh38, 1-based): chr7:140,776,985, G>T on the plus strand (C>A on the coding strand, the complement: BRAF is on the minus strand). VCF-style: chr7-140776985-G-T. GRCh37 (hg19) VCF-style: chr7-140476785-G-T.
Other names: c.1621C>A, p.Leu541Ile (NM_001354609.2, NM_001378468.1, NM_001378474.1); c.1741C>A, p.Leu581Ile (NM_001374244.1, NM_001374258.1); c.1630C>A, p.Leu544Ile (NM_001378467.1); c.1555C>A, p.Leu519Ile (NM_001378469.1); c.1519C>A, p.Leu507Ile (NM_001378470.1); c.1510C>A, p.Leu504Ile (NM_001378471.1); c.1465C>A, p.Leu489Ile (NM_001378472.1, NM_001378473.1); c.1357C>A, p.Leu453Ile (NM_001378475.1); short protein forms L453I, L489I, L504I, L507I, L544I, L519I, L581I, L541I.
Identifiers: ClinVar variation 3680963 (VCV003680963.2).

ClinVar aggregate classification (germline): Uncertain significance (1 of 4 stars; one submission).

Conditions:
RASopathy. Also called: rasopathies; Noonan spectrum disorder. Identifiers: Orphanet 536391, MedGen C5555857, MONDO:0021060.

Submission:

Labcorp Genetics (formerly Invitae), Labcorp
Classification: Uncertain significance for RASopathy. Last evaluated: 2024-06-25. Review status: criteria provided, single submitter. Criteria: Invitae Variant Classification Sherloc (09022015). Collection method: clinical testing. Allele origin: germline.
Comment: This sequence change replaces leucine, which is neutral and non-polar, with isoleucine, which is neutral and non-polar, at codon 541 of the BRAF protein (p.Leu541Ile). This variant is not present in population databases (gnomAD no frequency). This variant has not been reported in the literature in individuals affected with BRAF-related conditions. Advanced modeling of protein sequence and biophysical properties (such as structural, functional, and spatial information, amino acid conservation, physicochemical variation, residue mobility, and thermodynamic stability) performed at Invitae indicates that this missense variant is not expected to disrupt BRAF protein function with a negative predictive value of 80%. In summary, the available evidence is currently insufficient to determine the role of this variant in disease. Therefore, it has been classified as a Variant of Uncertain Significance.